The following is an entry in ClinVar:

NM_001372106.1(DNAH10):c.7881C>T (p.Tyr2627=)

Gene: DNAH10 (dynein axonemal heavy chain 10; plus strand). Cytogenetic location: 12q24.31.
Variant type: single nucleotide variant.
Coding change: c.7881C>T on transcript NM_001372106.1 (MANE Select); coding-DNA position 7881, C replaced by T.
Protein change: p.Tyr2627=; no amino-acid change (tyrosine 2627 retained).
Molecular consequence: synonymous variant.
Genome position (GRCh38, 1-based): chr12:123,873,653, C>T. VCF-style: chr12-123873653-C-T. GRCh37 (hg19) VCF-style: chr12-124358200-C-T.
Other names: c.7527C>T, p.Tyr2509= (NM_001083900.1, NM_207437.3).
Identifiers: ClinVar variation 2643529 (VCV002643529.24), dbSNP rs369269297, ClinGen allele CA6864609.
Genomic context (GRCh38, chr12:123,873,653, plus strand): 5'-GTCCATGGATATCCAAAGAAATTTAGAAGCAAATGTGGAAAAGCGAACCAAAGATACTTA[C>T]GGCCCACCCATGGGAAAACGCCTGCTGGTGTTCATGGATGACATGAATATGCCAAGGGTA-3'
Protein context (NP_001359035.1, residues 2617-2637): ANVEKRTKDT[Tyr2627=]GPPMGKRLLV

ClinVar aggregate classification (germline): Likely benign (1 of 4 stars; one submission).

Allele frequency attached by ClinVar (database versions not stated): 1000 Genomes Project 30x 0.00031; gnomAD 0.00039; TOPMed 0.00043; ExAC 0.00049; ESP Exome Variant Server 0.00074; gnomAD exomes 0.00099.
gnomAD v4.1: 1,503 of 1,613,652 alleles (0.093%); highest among the groups gnomAD compares: Non-Finnish European, 0.12%; 2 homozygotes.

Submission:

CeGaT Center for Human Genetics Tuebingen
Classification: Likely benign. Last evaluated: 2022-10-01. Review status: criteria provided, single submitter. Criteria: CeGaT Center For Human Genetics Tuebingen Variant Classification Criteria Version 2. Collection method: clinical testing. Allele origin: germline. Affected: yes. Observed: 1 variant allele.
Comment: DNAH10: BP4, BP7